The following is an entry in ClinVar:

NM_000092.5(COL4A4):c.4422_4441del (p.Asp1475fs)

Gene: COL4A4 (collagen type IV alpha 4 chain; minus strand). Cytogenetic location: 2q36.3.
Variant type: Deletion.
Coding change: c.4422_4441del on transcript NM_000092.5 (MANE Select); coding-DNA positions 4422 to 4441, 20 bases deleted (GGACCAGGAGCCCACCTGCC).
Protein change: p.Asp1475fs; shifts the reading frame from aspartic acid 1475.
Molecular consequence: frameshift variant.
Genome position (GRCh38, 1-based): chr2:227,010,394-227,010,413, GGCAGGTGGGCTCCTGGTCC deleted on the plus strand (GGACCAGGAGCCCACCTGCC on the coding strand, the reverse complement: COL4A4 is on the minus strand); deleting any 20 consecutive bases within chr2:227,010,394-227,010,414 gives the same sequence; the c. name uses the placement nearest the transcript's 3' end. VCF-style (leftmost placement, unchanged base first): chr2-227010393-GGGCAGGTGGGCTCCTGGTCC-G. GRCh37 (hg19) VCF-style: chr2-227875109-GGGCAGGTGGGCTCCTGGTCC-G.
Other names: short protein forms D1475fs.
Identifiers: ClinVar variation 3643831 (VCV003643831.2).
Genomic context (GRCh38, chr2:227,010,393, plus strand): 5'-TTCTCTTGCCCTTCCAGGTATAACAGACTATACCCAGTCCAGAGCCTGGGCATGCCCAGG[GGGCAGGTGGGCTCCTGGTCC>G]GTCTGACTGTGGAGAACCAGGAGGAAGCCACCGAGGTATCCAGGGCCAAACCCTTTGGGC-3'

ClinVar aggregate classification (germline): Pathogenic (1 of 4 stars; one submission).

Submission:

Labcorp Genetics (formerly Invitae), Labcorp
Classification: Pathogenic. Last evaluated: 2024-03-01. Review status: criteria provided, single submitter. Criteria: Invitae Variant Classification Sherloc (09022015). Collection method: clinical testing. Allele origin: germline.
Comment: This sequence change creates a premature translational stop signal (p.Asp1475Profs*11) in the COL4A4 gene. It is expected to result in an absent or disrupted protein product. Loss-of-function variants in COL4A4 are known to be pathogenic (PMID: 21196518, 24854265, 25307543). This variant is not present in population databases (gnomAD no frequency). This variant has not been reported in the literature in individuals affected with COL4A4-related conditions. For these reasons, this variant has been classified as Pathogenic.

Literature cited by the submitters: PubMed 21196518; PubMed 24854265; PubMed 25307543.